The following is an entry in ClinVar:

NM_001330078.2(NRXN1):c.3983_3985del (p.Gly1328del)

Gene: NRXN1 (neurexin 1; minus strand). Cytogenetic location: 2p16.3.
Variant type: Deletion.
Coding change: c.3983_3985del on transcript NM_001330078.2 (MANE Select); coding-DNA positions 3983 to 3985, 3 bases deleted (GTG; older notation c.3983_3985delGTG).
Protein change: p.Gly1328del; deletes glycine 1328.
Molecular consequence: inframe deletion.
Genome position (GRCh38, 1-based): chr2:50,053,414-50,053,416, CAC deleted on the plus strand (GTG on the coding strand, the reverse complement: NRXN1 is on the minus strand); deleting any 3 consecutive bases within chr2:50,053,414-50,053,418 gives the same sequence; the c. name uses the placement nearest the transcript's 3' end. VCF-style (leftmost placement, unchanged base first): chr2-50053413-TCAC-T. GRCh37 (hg19) VCF-style: chr2-50280551-TCAC-T.
Other names: c.788_790del, p.Gly263del (NM_001330097.2, NM_138735.5); c.3893_3895del, p.Gly1298del (NM_004801.6); c.4103_4105del, p.Gly1368del (NM_001135659.3); c.3959_3961del, p.Gly1320del (NM_001330077.2, NM_001330082.2); c.3827_3829del, p.Gly1276del (NM_001330083.2); c.3917_3919del, p.Gly1306del (NM_001330084.2); c.3956_3958del, p.Gly1319del (NM_001330085.2); c.3983_3985del, p.Gly1328del (NM_001330086.2); and 6 more; short protein forms G1368del, G263del, G293del, G1261del, G1271del, G1276del, G1281del, G1298del.
Identifiers: ClinVar variation 4822803 (VCV004822803.4).

ClinVar aggregate classification (germline): Uncertain significance (1 of 4 stars; one submission).

Submission:

CeGaT Center for Human Genetics Tuebingen
Classification: Uncertain significance. Last evaluated: 2025-12-01. Review status: criteria provided, single submitter. Criteria: CeGaT Center For Human Genetics Tuebingen Variant Classification Criteria Version 2. Collection method: clinical testing. Allele origin: germline. Affected: yes. Observed: 1 variant allele.
Comment: NRXN1: PM2, PM4:Supporting